The following is an entry in ClinVar:

ClinVar aggregate classification (germline): Uncertain significance (1 of 4 stars; one submission).

Allele frequency attached by ClinVar (database versions not stated): TOPMed below 0.00001.

Submission:

Ambry Genetics
Classification: Uncertain significance. Last evaluated: 2021-07-16. Review status: criteria provided, single submitter. Criteria: Ambry Variant Classification Scheme 2023. Collection method: clinical testing. Allele origin: germline.
Comment: The p.G57D variant (also known as c.170G>A), located in coding exon 1 of the BUB3 gene, results from a G to A substitution at nucleotide position 170. The glycine at codon 57 is replaced by aspartic acid, an amino acid with similar properties. This amino acid position is conserved. In addition, this alteration is predicted to be tolerated by in silico analysis. Since supporting evidence is limited at this time, the clinical significance of this alteration remains unclear.

NM_004725.4(BUB3):c.170G>A (p.Gly57Asp)

Gene: BUB3 (BUB3 mitotic checkpoint protein; plus strand). Cytogenetic location: 10q26.13.
Variant type: single nucleotide variant.
Coding change: c.170G>A on transcript NM_004725.4 (MANE Select); coding-DNA position 170, G replaced by A.
Protein change: p.Gly57Asp; replaces glycine 57 with aspartic acid.
Molecular consequence: missense variant.
Genome position (GRCh38, 1-based): chr10:123,155,087, G>A. VCF-style: chr10-123155087-G-A. GRCh37 (hg19) VCF-style: chr10-124914603-G-A.
Other names: c.170G>A, p.Gly57Asp (NM_001007793.3); short protein forms G57D.
Identifiers: ClinVar variation 1778530 (VCV001778530.2), dbSNP rs1844332651, ClinGen allele CA378625085.